The following is an entry in ClinVar:

ClinVar aggregate classification (germline): Uncertain significance. Review status: criteria provided, multiple submitters, no conflicts (2 of 4 stars). 2 submissions from 2 submitters: Uncertain significance (2). Last evaluated 2026-02-17.

Conditions:
Inborn genetic diseases. Identifiers: MedGen C0950123, MeSH D030342.

Allele frequency attached by ClinVar (database versions not stated): TOPMed below 0.00001.

Submissions (2):

Ambry Genetics
Classification: Uncertain significance for Inborn genetic diseases. Last evaluated: 2026-02-17. Review status: criteria provided, single submitter. Criteria: Ambry Variant Classification Scheme 2023. Collection method: clinical testing. Allele origin: germline.

GeneDx
Classification: Uncertain significance. Last evaluated: 2024-12-26. Review status: criteria provided, single submitter. Criteria: GeneDx Variant Classification Process June 2021. Collection method: clinical testing. Allele origin: germline.
Comment: Not observed at significant frequency in large population cohorts (gnomAD); In silico analysis supports that this missense variant has a deleterious effect on protein structure/function; Has not been previously published as pathogenic or benign to our knowledge

NM_001256012.3(MYH10):c.2227C>T (p.Arg743Cys)

Gene: MYH10 (myosin heavy chain 10; minus strand). Cytogenetic location: 17p13.1.
Variant type: single nucleotide variant.
Coding change: c.2227C>T on transcript NM_001256012.3 (MANE Select); coding-DNA position 2227, C replaced by T.
Protein change: p.Arg743Cys; replaces arginine 743 with cysteine.
Molecular consequence: missense variant.
Genome position (GRCh38, 1-based): chr17:8,520,924, G>A on the plus strand (C>T on the coding strand, the complement: MYH10 is on the minus strand). VCF-style: chr17-8520924-G-A. GRCh37 (hg19) VCF-style: chr17-8424242-G-A.
Other names: c.2161C>T, p.Arg721Cys (NM_001256095.2); c.2164C>T, p.Arg722Cys (NM_001375266.1); c.2134C>T, p.Arg712Cys (NM_005964.5); c.2134C>T (NM_005964.1); short protein forms R712C, R721C, R722C, R743C.
Identifiers: ClinVar variation 2580613 (VCV002580613.3), dbSNP rs2081633156, ClinGen allele CA398040693.